The following is an entry in ClinVar:

ClinVar aggregate classification (germline): Uncertain significance. Review status: criteria provided, multiple submitters, no conflicts (2 of 4 stars). 2 submissions from 2 submitters: Uncertain significance (2). Last evaluated 2024-01-08.

Conditions:
Inborn genetic diseases. Identifiers: MedGen C0950123, MeSH D030342.
Martsolf syndrome (MARTS). Also called: Congenital cataract with intellectual disability and hypogonadotropic hypogonadism syndrome. Identifiers: Orphanet 1387, MedGen C0796037, MONDO:0023910.
Warburg micro syndrome 2 (WARBM2). Also called: MICRO SYNDROME 2. Identifiers: Orphanet 2510, MedGen C3280214, MONDO:0013641, OMIM 614225.

Allele frequency attached by ClinVar (database versions not stated): gnomAD exomes below 0.00001.
gnomAD v4.1: 1 of 1,612,776 alleles (0.000062%); highest among the groups gnomAD compares: Admixed American, 0.0017%; no homozygotes.

Submissions (2):

Ambry Genetics
Classification: Uncertain significance for Inborn genetic diseases. Last evaluated: 2024-01-08. Review status: criteria provided, single submitter. Criteria: Ambry Variant Classification Scheme 2023. Collection method: clinical testing. Allele origin: germline.

Labcorp Genetics (formerly Invitae), Labcorp
Classification: Uncertain significance for Martsolf syndrome; Warburg micro syndrome 2. Last evaluated: 2022-07-19. Review status: criteria provided, single submitter. Criteria: Invitae Variant Classification Sherloc (09022015). Collection method: clinical testing. Allele origin: germline.
Comment: In summary, the available evidence is currently insufficient to determine the role of this variant in disease. Therefore, it has been classified as a Variant of Uncertain Significance. Algorithms developed to predict the effect of missense changes on protein structure and function (SIFT, PolyPhen-2, Align-GVGD) all suggest that this variant is likely to be tolerated. This variant has not been reported in the literature in individuals affected with RAB3GAP2-related conditions. This variant is not present in population databases (gnomAD no frequency). This sequence change replaces serine, which is neutral and polar, with isoleucine, which is neutral and non-polar, at codon 1184 of the RAB3GAP2 protein (p.Ser1184Ile).

NM_012414.4(RAB3GAP2):c.3551G>T (p.Ser1184Ile)

Gene: RAB3GAP2 (RAB3 GTPase activating non-catalytic protein subunit 2; minus strand). Cytogenetic location: 1q41.
Variant type: single nucleotide variant.
Coding change: c.3551G>T on transcript NM_012414.4 (MANE Select); coding-DNA position 3551, G replaced by T.
Protein change: p.Ser1184Ile; replaces serine 1184 with isoleucine.
Molecular consequence: missense variant.
Genome position (GRCh38, 1-based): chr1:220,157,274, C>A on the plus strand (G>T on the coding strand, the complement: RAB3GAP2 is on the minus strand). VCF-style: chr1-220157274-C-A. GRCh37 (hg19) VCF-style: chr1-220330616-C-A.
Other names: c.3551G>T (NM_012414.3); short protein forms S1184I.
Identifiers: ClinVar variation 1959049 (VCV001959049.6), dbSNP rs1657873984, ClinGen allele CA344628447.